The following is an entry in ClinVar:

NM_147127.5(EVC2):c.105_126dup (p.Gly43fs)

Gene: EVC2 (EvC ciliary complex subunit 2; minus strand). Cytogenetic location: 4p16.2.
Variant type: Duplication.
Coding change: c.105_126dup on transcript NM_147127.5 (MANE Select); coding-DNA positions 105 to 126, 22 bases duplicated (ACGTCCCCGCTGGCGCCCCCTC).
Protein change: p.Gly43fs; shifts the reading frame from glycine 43.
Molecular consequence: frameshift variant. On other transcripts: intron variant (1).
Genome position (GRCh38, 1-based): chr4:5,708,388-5,708,409, GAGGGGGCGCCAGCGGGGACGT duplicated on the plus strand (ACGTCCCCGCTGGCGCCCCCTC on the coding strand, the reverse complement: EVC2 is on the minus strand); duplicating any 22 consecutive bases within chr4:5,708,388-5,708,412 gives the same sequence; the c. name uses the placement nearest the transcript's 3' end. VCF-style (leftmost placement, unchanged base first): chr4-5708387-C-CGAGGGGGCGCCAGCGGGGACGT. GRCh37 (hg19) VCF-style: chr4-5710114-C-CGAGGGGGCGCCAGCGGGGACGT.
Other names: c.-13+420_-13+441dup (NM_001166136.2); short protein forms G43fs.
Identifiers: ClinVar variation 555651 (VCV000555651.11), dbSNP rs1553855127, ClinGen allele CA658821183.

ClinVar aggregate classification (germline): Pathogenic/Likely pathogenic. Review status: criteria provided, multiple submitters, no conflicts (2 of 4 stars). 3 submissions from 3 submitters: Pathogenic (1); Likely pathogenic (1). 1 of the submissions does not count toward it. Last evaluated 2024-05-06.

Conditions:
Curry-Hall syndrome (WAD). Also called: WEYERS ACRODENTAL DYSOSTOSIS. Identifiers: Orphanet 952, MedGen C0457013, MONDO:0008673, OMIM 193530.
Ellis-van Creveld syndrome (EVC). Also called: EVC2-Related Ellis-van Creveld Syndrome; EVC-Related Ellis-van Creveld Syndrome; MESOECTODERMAL DYSPLASIA; Chondroectodermal dysplasia. Identifiers: Orphanet 289, MedGen C0013903, MONDO:0009162, OMIM 225500.

Submissions (3):

Fulgent Genetics
Classification: Likely pathogenic for Curry-Hall syndrome; Ellis-van Creveld syndrome. Last evaluated: 2024-05-06. Review status: criteria provided, single submitter. Criteria: ACMG Guidelines, 2015. Collection method: clinical testing. Allele origin: germline.

Labcorp Genetics (formerly Invitae), Labcorp
Classification: Pathogenic for Curry-Hall syndrome; Ellis-van Creveld syndrome. Last evaluated: 2024-05-06. Review status: criteria provided, single submitter. Criteria: Invitae Variant Classification Sherloc (09022015). Collection method: clinical testing. Allele origin: germline.
Comment: This sequence change creates a premature translational stop signal (p.Gly43Thrfs*20) in the EVC2 gene. It is expected to result in an absent or disrupted protein product. Loss-of-function variants in EVC2 are known to be pathogenic (PMID: 17024374, 19810119, 19876929). This variant is not present in population databases (gnomAD no frequency). This variant has not been reported in the literature in individuals affected with EVC2-related conditions. ClinVar contains an entry for this variant (Variation ID: 555651). For these reasons, this variant has been classified as Pathogenic.

Counsyl
Classification: Likely pathogenic for Ellis-van Creveld syndrome. Last evaluated: 2017-12-27. Review status: no assertion criteria provided. Collection method: clinical testing. Allele origin: unknown. Not counted in ClinVar's aggregate classification.

Literature cited by the submitters: PubMed 17024374 (cited by Labcorp Genetics (formerly Invitae), Labcorp); PubMed 19810119 (cited by Labcorp Genetics (formerly Invitae), Labcorp); PubMed 19876929 (cited by Labcorp Genetics (formerly Invitae), Labcorp).